The following is an entry in ClinVar:

NM_016151.4(TAOK2):c.3385G>A (p.Val1129Ile)

Gene: TAOK2 (TAO kinase 2; plus strand). Cytogenetic location: 16p11.2.
Variant type: single nucleotide variant.
Coding change: c.3385G>A on transcript NM_016151.4 (MANE Select); coding-DNA position 3385, G replaced by A.
Protein change: p.Val1129Ile; replaces valine 1129 with isoleucine.
Molecular consequence: missense variant. On other transcripts: intron variant (1).
Genome position (GRCh38, 1-based): chr16:29,987,657, G>A. VCF-style: chr16-29987657-G-A. GRCh37 (hg19) VCF-style: chr16-29998978-G-A.
Other names: c.3046G>A, p.Val1016Ile (NM_001252043.2); c.2232+1153G>A (NM_004783.4); c.3385G>A (NM_016151.3, NM_016151.2); short protein forms V1016I, V1129I.
Identifiers: ClinVar variation 1099653 (VCV001099653.13), dbSNP rs78092725, ClinGen allele CA7998557.
Genomic context (GRCh38, chr16:29,987,657, plus strand): 5'-CGGGGTCTGTTTGCACTGTACCCCAAAACCAACAAGGATGGCTTCCGCAGCCGCCTGCCC[G>A]TCCCTGGGCCCCGGCGGCGTAATCCCCGCACCACCCAACACCCATTAGCTCTGTTGGCAA-3'
Protein context (NP_057235.2, residues 1119-1139): NKDGFRSRLP[Val1129Ile]PGPRRRNPRT

ClinVar aggregate classification (germline): Likely benign. Review status: criteria provided, multiple submitters, no conflicts (2 of 4 stars). 4 submissions from 4 submitters: Likely benign (3). 1 of the submissions does not count toward it. Last evaluated 2026-02-01.

Conditions:
TAOK2-related disorder. Also called: TAOK2-related condition.

Allele frequency attached by ClinVar (database versions not stated): 1000 Genomes Project 0.00020; 1000 Genomes Project 30x 0.00031; ESP Exome Variant Server 0.00062; gnomAD 0.00088 and 0.00090; gnomAD exomes 0.00096 and 0.00119; ExAC 0.00113.
gnomAD v4.1: 1,565 of 1,613,694 alleles (0.097%); highest among the groups gnomAD compares: Middle Eastern, 0.91%; 2 homozygotes.

Submissions (4):

Labcorp Genetics (formerly Invitae), Labcorp
Classification: Likely benign. Last evaluated: 2026-02-01. Review status: criteria provided, single submitter. Criteria: Invitae Variant Classification Sherloc (09022015). Collection method: clinical testing. Allele origin: germline.

Ambry Genetics
Classification: Likely benign. Last evaluated: 2021-08-12. Review status: criteria provided, single submitter. Criteria: Ambry Variant Classification Scheme 2023. Collection method: clinical testing. Allele origin: germline.

Breakthrough Genomics
Classification: Likely benign. Review status: criteria provided, single submitter. Criteria: ACMG Guidelines, 2015. Collection method: not provided. Allele origin: germline. Inheritance: Unknown mechanism. Affected: yes.

PreventionGenetics, part of Exact Sciences
Classification: Likely benign for TAOK2-related condition. Last evaluated: 2019-05-02. Review status: no assertion criteria provided. Collection method: clinical testing. Allele origin: germline. Not counted in ClinVar's aggregate classification.
Comment: This variant is classified as likely benign based on ACMG/AMP sequence variant interpretation guidelines (Richards et al. 2015 PMID: 25741868, with internal and published modifications).